The following is an entry in ClinVar:

ClinVar aggregate classification (germline): Uncertain significance (1 of 4 stars; one submission).

Conditions:
Neuroblastoma, susceptibility to, 3. Also called: ALK-Related Neuroblastic Tumor Susceptibility. Identifiers: Orphanet 635, MedGen C2751681, MONDO:0013083, OMIM 613014.

Allele frequency attached by ClinVar (database versions not stated): gnomAD 0.00001; TOPMed 0.00001; ExAC 0.00002; gnomAD exomes 0.00002.
gnomAD v4.1: 28 of 1,612,122 alleles (0.0017%); highest among the groups gnomAD compares: Non-Finnish European, 0.0024%; no homozygotes.

Submission:

Labcorp Genetics (formerly Invitae), Labcorp
Classification: Uncertain significance for Neuroblastoma, susceptibility to, 3. Last evaluated: 2024-08-27. Review status: criteria provided, single submitter. Criteria: Invitae Variant Classification Sherloc (09022015). Collection method: clinical testing. Allele origin: germline.
Comment: This sequence change falls in intron 1 of the ALK gene. It does not directly change the encoded amino acid sequence of the ALK protein. This variant is present in population databases (rs768827717, gnomAD 0.004%). This variant has not been reported in the literature in individuals affected with ALK-related conditions. ClinVar contains an entry for this variant (Variation ID: 1367909). Algorithms developed to predict the effect of sequence changes on RNA splicing suggest that this variant may create or strengthen a splice site. In summary, the available evidence is currently insufficient to determine the role of this variant in disease. Therefore, it has been classified as a Variant of Uncertain Significance.

NM_004304.5(ALK):c.667+16C>G

Gene: ALK (ALK receptor tyrosine kinase; minus strand). Cytogenetic location: 2p23.1.
Variant type: single nucleotide variant.
Coding change: c.667+16C>G on transcript NM_004304.5 (MANE Select); 16 bases into the intron after coding-DNA position 667, C replaced by G.
Molecular consequence: intron variant.
Genome position (GRCh38, 1-based): chr2:29,919,977, G>C on the plus strand (C>G on the coding strand, the complement: ALK is on the minus strand). VCF-style: chr2-29919977-G-C. GRCh37 (hg19) VCF-style: chr2-30142843-G-C.
Identifiers: ClinVar variation 1367909 (VCV001367909.8), dbSNP rs768827717, ClinGen allele CA1594920.